The following continues an entry in ClinVar:

NM_000059.4(BRCA2):c.3158T>G (p.Leu1053Ter)

Gene: BRCA2. ClinVar aggregate classification (germline): Pathogenic. Pathogenic (1).

Submissions 12 to 18 of 18:

Women's Health and Genetics/Laboratory Corporation of America, LabCorp
Classification: Pathogenic for Hereditary breast and ovarian cancer syndrome. Last evaluated: 2018-10-12. Review status: criteria provided, single submitter. Criteria: LabCorp Variant Classification Summary - May 2015. Collection method: clinical testing. Allele origin: germline. Not counted in ClinVar's aggregate classification.
Comment: Variant summary: BRCA2 c.3158T>G (p.Leu1053X) results in a premature termination codon, predicted to cause a truncation of the encoded protein or absence of the protein due to nonsense mediated decay, which are commonly known mechanisms for disease. Truncations downstream of this position have been classified as pathogenic by our laboratory (eg. c.3166C>T, p.Gln1056X; c.3170_3174delAGAAA, p.Lys1057fsX8; c.3187C>T, p.Gln1063X). The variant was absent in 241474 control chromosomes (gnomAD). The variant, c.3158T>G, has been reported in the literature in individuals affected with Hereditary Breast and Ovarian Cancer (Lubinski_2004, Mitra_2009). These data indicate that the variant may be associated with disease. To our knowledge, no experimental evidence demonstrating an impact on protein function has been reported. Seven clinical diagnostic laboratories have submitted clinical-significance assessments for this variant to ClinVar after 2014 without evidence for independent evaluation. All laboratories classified the variant as pathogenic. Based on the evidence outlined above, the variant was classified as pathogenic.

Consortium of Investigators of Modifiers of BRCA1/2 (CIMBA), c/o University of Cambridge
Classification: Pathogenic for Breast-ovarian cancer, familial, susceptibility to, 2. Last evaluated: 2015-10-02. Review status: criteria provided, single submitter. Criteria: CIMBA Mutation Classification guidelines May 2016. Collection method: clinical testing. Allele origin: germline. Not counted in ClinVar's aggregate classification.

Department of Medical Genetics, Oslo University Hospital
Classification: Pathogenic for Breast-ovarian cancer, familial, susceptibility to, 2. Last evaluated: 2015-07-01. Review status: criteria provided, single submitter. Criteria: ACMG Guidelines, 2015. Collection method: clinical testing. Allele origin: germline. Affected: yes. Observed: 1 variant allele. Not counted in ClinVar's aggregate classification.

Counsyl
Classification: Pathogenic for Breast-ovarian cancer, familial, susceptibility to, 2. Last evaluated: 2016-10-11. Review status: no assertion criteria provided. Collection method: clinical testing. Allele origin: unknown. Not counted in ClinVar's aggregate classification.

Research Molecular Genetics Laboratory, Women's College Hospital, University of Toronto
Classification: Pathogenic for Hereditary breast ovarian cancer syndrome. Last evaluated: 2014-01-31. Review status: no assertion criteria provided. Collection method: research. Allele origin: germline. Affected: yes. Study: The Canadian Open Genetics Repository (COGR). Not counted in ClinVar's aggregate classification.

Sharing Clinical Reports Project (SCRP)
Classification: Pathogenic for Breast-ovarian cancer, familial 2. Last evaluated: 2011-05-31. Review status: no assertion criteria provided. Collection method: clinical testing. Allele origin: germline. Not counted in ClinVar's aggregate classification.

Breast Cancer Information Core (BIC) (BRCA2)
Classification: Pathogenic for Breast-ovarian cancer, familial 2. Last evaluated: 2002-05-29. Review status: no assertion criteria provided. Collection method: clinical testing. Allele origin: germline. Affected: yes. Observed: 5 variant alleles. Not counted in ClinVar's aggregate classification.

Literature cited by the submitters: PubMed 20104584 (cited by Labcorp Genetics (formerly Invitae), Labcorp); PubMed 21952622 (cited by 5 submitters); PubMed 23524863 (cited by 3 submitters); PubMed 23569316 (cited by 3 submitters); PubMed 28814288 (cited by 4 submitters); PubMed 29446198 (cited by Labcorp Genetics (formerly Invitae), Labcorp and Quest Diagnostics Nichols Institute San Juan Capistrano); PubMed 15131399 (cited by 5 submitters); PubMed 24728189 (cited by Ambry Genetics and Counsyl); PubMed 25525159 (cited by Ambry Genetics); PubMed 27356891 (cited by Ambry Genetics and Quest Diagnostics Nichols Institute San Juan Capistrano); PubMed 29339979 (cited by Quest Diagnostics Nichols Institute San Juan Capistrano); PubMed 32853339 (cited by Quest Diagnostics Nichols Institute San Juan Capistrano); PubMed 29915322 (cited by Quest Diagnostics Nichols Institute San Juan Capistrano and Laboratory for Molecular Medicine, Mass General Brigham Personalized Medicine); PubMed 20002770 (cited by Women's Health and Genetics/Laboratory Corporation of America, LabCorp); PubMed 21702907 (cited by Counsyl).